The following is an entry in ClinVar:

ClinVar aggregate classification (germline): Uncertain significance (1 of 4 stars; one submission).

Conditions:
Cardiovascular phenotype. Identifiers: MedGen CN230736.

gnomAD v4.1: 3 of 1,564,738 alleles (0.00019%); highest among the groups gnomAD compares: Admixed American, 0.0018%; no homozygotes.

Submission:

Ambry Genetics
Classification: Uncertain significance for Cardiovascular phenotype. Last evaluated: 2025-10-22. Review status: criteria provided, single submitter. Criteria: Ambry Variant Classification Scheme 2023. Collection method: clinical testing. Allele origin: germline.
Comment: The p.G3S variant (also known as c.7G>A), located in coding exon 1 of the CBL gene, results from a G to A substitution at nucleotide position 7. The glycine at codon 3 is replaced by serine, an amino acid with similar properties. This amino acid position is conserved. In addition, the in silico prediction for this alteration is inconclusive. Based on the available evidence, the clinical significance of this variant remains unclear.

NM_005188.4(CBL):c.7G>A (p.Gly3Ser)

Genes: CBL (Cbl proto-oncogene; plus strand), LOC130006895 (ATAC-STARR-seq lymphoblastoid silent region 3975; plus strand). Cytogenetic location: 11q23.3.
Variant type: single nucleotide variant.
Coding change: c.7G>A on transcript NM_005188.4 (MANE Select); coding-DNA position 7, G replaced by A.
Protein change: p.Gly3Ser; replaces glycine 3 with serine.
Molecular consequence: missense variant.
Genome position (GRCh38, 1-based): chr11:119,206,424, G>A. VCF-style: chr11-119206424-G-A. GRCh37 (hg19) VCF-style: chr11-119077134-G-A.
Other names: short protein forms G3S.
Identifiers: ClinVar variation 4613842 (VCV004613842.1).